The following is an entry in ClinVar:

ClinVar aggregate classification (germline): Uncertain significance. Review status: criteria provided, multiple submitters, no conflicts (2 of 4 stars). 2 submissions from 2 submitters: Uncertain significance (2). Last evaluated 2026-08-06.

Conditions:
Malignant hyperthermia, susceptibility to, 1 (MHS1). Also called: Anesthesia related hyperthermia; Malignant hyperpyrexia; Fulminating hyperpyrexia; Pharmacogenic myopathy; RYR1-Related Malignant Hyperthermia Susceptibility; Malignant hyperthermia suceptibility 1. Identifiers: Orphanet 423, MedGen C2930980, MONDO:0007783, OMIM 145600.
Central core myopathy (CMYO1A). Also called: CONGENITAL MYOPATHY 1A, AUTOSOMAL DOMINANT, WITH SUSCEPTIBILITY TO MALIGNANT HYPERTHERMIA; Central core disease; Myopathy, central fibrillar. Identifiers: Orphanet 597, MedGen C5830701, MONDO:0007294, OMIM 117000.

gnomAD v4.1: 2 of 1,614,080 alleles (0.00012%); highest among the groups gnomAD compares: African/African-American, 0.0027%; no homozygotes.

Submissions (2):

OLLIN Analises Genomicas, OLLIN
Classification: Uncertain significance for Central core myopathy. Last evaluated: 2026-08-06. Review status: criteria provided, single submitter. Criteria: ACMG Guidelines 2015 PMID 25741868. Collection method: clinical testing. Allele origin: germline. Inheritance: Autosomal dominant inheritance.
Comment: This missense variant, located in exon 26 (of 106), has been reported in ClinVar (accession VCV003387686.1) and in gnomAD with an allele frequency of 0.00012%. However, to our knowledge, it has not been reported in the scientific literature. In silico analysis is inconclusive regarding the impact of this variant. According to the currently available evidence, this variant has been classified as uncertain significance (PM2_P).

All of Us Research Program, National Institutes of Health
Classification: Uncertain significance for Malignant hyperthermia, susceptibility to, 1. Last evaluated: 2024-08-06. Review status: criteria provided, single submitter. Criteria: ACMG Guidelines, 2015. Collection method: clinical testing. Allele origin: germline. Inheritance: Autosomal dominant inheritance. Observed: 1 variant allele, 1 heterozygote.
Comment: This study involves interpretation of variants in research participants for the purpose of population health screening. Participant phenotype was not available at the time of variant classification. Additional details can be found in publication PMID: 35346344, PMCID: PMC8962531

NM_000540.3(RYR1):c.3534C>G (p.Phe1178Leu)

Gene: RYR1 (ryanodine receptor 1; plus strand). Cytogenetic location: 19q13.2.
Variant type: single nucleotide variant.
Coding change: c.3534C>G on transcript NM_000540.3 (MANE Select); coding-DNA position 3534, C replaced by G.
Protein change: p.Phe1178Leu; replaces phenylalanine 1178 with leucine.
Molecular consequence: missense variant.
Genome position (GRCh38, 1-based): chr19:38,469,118, C>G. VCF-style: chr19-38469118-C-G. GRCh37 (hg19) VCF-style: chr19-38959758-C-G.
Other names: c.3534C>G, p.Phe1178Leu (NM_001042723.2); short protein forms F1178L.
Identifiers: ClinVar variation 3387686 (VCV003387686.2).